The following is an entry in ClinVar:

NM_001378454.1(ALMS1):c.11689G>A (p.Gly3897Ser)

Gene: ALMS1 (ALMS1 centrosome and basal body associated protein; plus strand). Cytogenetic location: 2p13.1.
Variant type: single nucleotide variant.
Coding change: c.11689G>A on transcript NM_001378454.1 (MANE Select); coding-DNA position 11689, G replaced by A.
Protein change: p.Gly3897Ser; replaces glycine 3897 with serine.
Molecular consequence: missense variant.
Genome position (GRCh38, 1-based): chr2:73,600,698, G>A. VCF-style: chr2-73600698-G-A. GRCh37 (hg19) VCF-style: chr2-73827825-G-A.
Other names: c.11692G>A, p.Gly3898Ser (NM_015120.4); short protein forms G3898S, G3897S.
Identifiers: ClinVar variation 659481 (VCV000659481.17), dbSNP rs187887110, ClinGen allele CA1715291.

ClinVar aggregate classification (germline): Uncertain significance. Review status: criteria provided, multiple submitters, no conflicts (2 of 4 stars). 9 submissions from 9 submitters: Uncertain significance (7). 2 of the submissions do not count toward it. Last evaluated 2025-07-24.

Conditions:
Alstrom syndrome (ALMS). Identifiers: Orphanet 64, MedGen C0268425, MONDO:0008763, OMIM 203800.
Retinal dystrophy. Also called: Inherited retinal dystrophy. Identifiers: Orphanet 71862, MedGen C0854723, MeSH D058499, MONDO:0019118, HP:0000556.
Cardiovascular phenotype. Identifiers: MedGen CN230736.

Allele frequency attached by ClinVar (database versions not stated): gnomAD exomes 0.00003 and 0.00004; gnomAD 0.00013 and 0.00012; ExAC 0.00008; TOPMed 0.00014; 1000 Genomes Project 30x 0.00016; ESP Exome Variant Server 0.00016; 1000 Genomes Project 0.00020.
gnomAD v4.1: 59 of 1,613,714 alleles (0.0037%); highest among the groups gnomAD compares: African/African-American, 0.045%; no homozygotes.

Submissions (9):

Women's Health and Genetics/Laboratory Corporation of America, LabCorp
Classification: Uncertain significance. Last evaluated: 2025-07-24. Review status: criteria provided, single submitter. Criteria: LabCorp Variant Classification Summary - May 2015. Collection method: clinical testing. Allele origin: germline.
Comment: Variant summary: ALMS1 c.11686G>A (p.Gly3896Ser) results in a non-conservative amino acid change in the encoded protein sequence. Algorithms developed to predict the effect of missense changes on protein structure and function are either unavailable or do not agree on the potential impact of this missense change. The variant allele was found at a frequency of 4.4e-05 in 249794 control chromosomes (gnomAD). This frequency is not significantly higher than estimated for a pathogenic variant in ALMS1 causing Alstrom syndrome (4.4e-05 vs 0.0035), allowing no conclusion about variant significance. c.11686G>A has been reported in the literature in an individual affected with retinitis pigmentosa without evidence for causality (Patel_2018). This report does not provide unequivocal conclusions about association of the variant with Alstrom Syndrome. To our knowledge, no experimental evidence demonstrating an impact on protein function has been reported. The following publication have been ascertained in the context of this evaluation (PMID: 30054919). ClinVar contains an entry for this variant (Variation ID: 659481). Based on the evidence outlined above, the variant was classified as uncertain significance.

Labcorp Genetics (formerly Invitae), Labcorp
Classification: Uncertain significance for Alstrom syndrome. Last evaluated: 2025-01-12. Review status: criteria provided, single submitter. Criteria: Invitae Variant Classification Sherloc (09022015). Collection method: clinical testing. Allele origin: germline.
Comment: This sequence change replaces glycine, which is neutral and non-polar, with serine, which is neutral and polar, at codon 3898 of the ALMS1 protein (p.Gly3898Ser). This variant is present in population databases (rs187887110, gnomAD 0.05%). This variant has not been reported in the literature in individuals affected with ALMS1-related conditions. ClinVar contains an entry for this variant (Variation ID: 659481). An algorithm developed to predict the effect of missense changes on protein structure and function outputs the following: PolyPhen-2: "Not Available". The serine amino acid residue is found in multiple mammalian species, which suggests that this missense change does not adversely affect protein function. In summary, the available evidence is currently insufficient to determine the role of this variant in disease. Therefore, it has been classified as a Variant of Uncertain Significance.

ARUP Laboratories, Molecular Genetics and Genomics, ARUP Laboratories
Classification: Uncertain significance for Alstrom syndrome. Last evaluated: 2023-12-18. Review status: criteria provided, single submitter. Criteria: ARUP Molecular Germline Variant Investigation Process 2024. Collection method: clinical testing. Allele origin: germline.
Comment: The ALMS1 c.11689G>A; p.Gly3897Ser variant (rs187887110) is reported in the literature in an individual affected with retinal dystrophy (Patel 2018), but without clear disease association. This variant is also reported in ClinVar (Variation ID: 659481), and is found in the general population with an overall allele frequency of 0.0064% (18/281154 alleles) in the Genome Aggregation Database (v2.1.1). Computational analyses predict that this variant is neutral (REVEL: 0.127). Due to limited information, the clinical significance of this variant is uncertain at this time. References: Patel N et al. Mutations in known disease genes account for the majority of autosomal recessive retinal dystrophies. Clin Genet. 2018 Dec;94(6):554-563. PMID: 30054919.

Ambry Genetics
Classification: Uncertain significance for Cardiovascular phenotype. Last evaluated: 2023-06-22. Review status: criteria provided, single submitter. Criteria: Ambry Variant Classification Scheme 2023. Collection method: clinical testing. Allele origin: germline.
Comment: The p.G3898S variant (also known as c.11692G>A), located in coding exon 18 of the ALMS1 gene, results from a G to A substitution at nucleotide position 11692. The glycine at codon 3898 is replaced by serine, an amino acid with similar properties. This variant (referred to as c.11686G>A p.G3896S) was detected in an individual with retinitis pigmentosa who was also homozygous for a suspected causative variant in CDHR1 (Patel N et al. Clin Genet. 2018 Dec;94(6):554-563). This amino acid position is well conserved in available vertebrate species. In addition, the in silico prediction for this alteration is inconclusive. Since supporting evidence is limited at this time, the clinical significance of this alteration remains unclear.

Department of Pathology and Laboratory Medicine, Sinai Health System
Classification: Uncertain significance for Alstrom syndrome. Last evaluated: 2022-11-14. Review status: criteria provided, single submitter. Criteria: ACMG Guidelines, 2015. Collection method: research. Allele origin: germline.

New York Genome Center
Classification: Uncertain significance for Alstrom syndrome. Last evaluated: 2022-02-23. Review status: criteria provided, single submitter. Criteria: NYGC Assertion Criteria 2020. Collection method: clinical testing. Allele origin: germline. Observed: 1 heterozygote.

Fulgent Genetics
Classification: Uncertain significance for Alstrom syndrome. Last evaluated: 2021-12-08. Review status: criteria provided, single submitter. Criteria: ACMG Guidelines, 2015. Collection method: clinical testing. Allele origin: unknown.

Institute of Human Genetics, Univ. Regensburg, Univ. Regensburg
Classification: Uncertain significance for Retinal dystrophy. Last evaluated: 2023-01-01. Review status: no assertion criteria provided. Criteria: ACMG Guidelines, 2015. Collection method: clinical testing. Allele origin: germline. Affected: yes. Not counted in ClinVar's aggregate classification.

Natera, Inc.
Classification: Uncertain significance for Alstrom syndrome. Last evaluated: 2021-07-26. Review status: no assertion criteria provided. Collection method: clinical testing. Allele origin: germline. Not counted in ClinVar's aggregate classification.

Literature cited by the submitters: PubMed 30054919 (cited by Women's Health and Genetics/Laboratory Corporation of America, LabCorp and Ambry Genetics).